The following is an entry in ClinVar:

NM_000171.4(GLRA1):c.49TTC[1] (p.Phe18del)

Gene: GLRA1 (glycine receptor alpha 1; minus strand). Cytogenetic location: 5q33.1.
Variant type: Microsatellite.
Coding change: c.49TTC[1] on transcript NM_000171.4 (MANE Select); one copy of the 3-base unit TTC starting at c.49; the reference has two copies in a row; one copy, 3 bases deleted.
Protein change: p.Phe18del; deletes phenylalanine 18.
Molecular consequence: 5 prime UTR variant (on NM_001292000.2).
Genome position (GRCh38, 1-based): chr5:151,924,496-151,924,498, GAA deleted on the plus strand (TTC on the coding strand, the reverse complement: GLRA1 is on the minus strand); deleting any 3 consecutive bases within chr5:151,924,496-151,924,501 gives the same sequence; the position shown is the placement nearest the transcript's 3' end. VCF-style (leftmost placement, unchanged base first): chr5-151924495-TGAA-T. GRCh37 (hg19) VCF-style: chr5-151304056-TGAA-T.
Other names: c.49TTC[1], p.Phe18del (NM_001146040.2); c.-73TTC[1] (NM_001292000.2); short protein forms F18del.
Identifiers: ClinVar variation 3640471 (VCV003640471.2).

ClinVar aggregate classification (germline): Uncertain significance (1 of 4 stars; one submission).

Conditions:
Hereditary hyperekplexia. Identifiers: Orphanet 3197, MedGen C4084968, MONDO:0021022.

Submission:

Labcorp Genetics (formerly Invitae), Labcorp
Classification: Uncertain significance for Hereditary hyperekplexia. Last evaluated: 2024-02-13. Review status: criteria provided, single submitter. Criteria: Invitae Variant Classification Sherloc (09022015). Collection method: clinical testing. Allele origin: germline.
Comment: This variant, c.52_54del, results in the deletion of 1 amino acid(s) of the GLRA1 protein (p.Phe18del), but otherwise preserves the integrity of the reading frame. This variant is not present in population databases (gnomAD no frequency). This variant has not been reported in the literature in individuals affected with GLRA1-related conditions. Experimental studies and prediction algorithms are not available or were not evaluated, and the functional significance of this variant is currently unknown. In summary, the available evidence is currently insufficient to determine the role of this variant in disease. Therefore, it has been classified as a Variant of Uncertain Significance.